The following is an entry in ClinVar:

ClinVar aggregate classification (germline): Uncertain significance. Review status: criteria provided, multiple submitters, no conflicts (2 of 4 stars). 3 submissions from 3 submitters: Uncertain significance (3). Last evaluated 2025-05-13.

Conditions:
Cardiovascular phenotype. Identifiers: MedGen CN230736.

Submissions (3):

Labcorp Genetics (formerly Invitae), Labcorp
Classification: Uncertain significance. Last evaluated: 2025-05-13. Review status: criteria provided, single submitter. Criteria: Invitae Variant Classification Sherloc (09022015). Collection method: clinical testing. Allele origin: germline.
Comment: This sequence change replaces glycine, which is neutral and non-polar, with serine, which is neutral and polar, at codon 1150 of the ALPK3 protein (p.Gly1150Ser). This variant is not present in population databases (gnomAD no frequency). This variant has not been reported in the literature in individuals affected with ALPK3-related conditions. ClinVar contains an entry for this variant (Variation ID: 1314660). Invitae Evidence Modeling of protein sequence and biophysical properties (such as structural, functional, and spatial information, amino acid conservation, physicochemical variation, residue mobility, and thermodynamic stability) indicates that this missense variant is not expected to disrupt ALPK3 protein function with a negative predictive value of 80%. In summary, the available evidence is currently insufficient to determine the role of this variant in disease. Therefore, it has been classified as a Variant of Uncertain Significance.

Ambry Genetics
Classification: Uncertain significance for Cardiovascular phenotype. Last evaluated: 2021-10-25. Review status: criteria provided, single submitter. Criteria: Ambry Variant Classification Scheme 2023. Collection method: clinical testing. Allele origin: germline.
Comment: The p.G1150S variant (also known as c.3448G>A), located in coding exon 6 of the ALPK3 gene, results from a G to A substitution at nucleotide position 3448. The glycine at codon 1150 is replaced by serine, an amino acid with similar properties. This amino acid position is conserved. In addition, this alteration is predicted to be tolerated by in silico analysis. Since supporting evidence is limited at this time, the clinical significance of this alteration remains unclear.

GeneDx
Classification: Uncertain significance. Last evaluated: 2021-04-12. Review status: criteria provided, single submitter. Criteria: GeneDx Variant Classification Process June 2021. Collection method: clinical testing. Allele origin: germline. Affected: yes.
Comment: Not observed in large population cohorts (Lek et al., 2016); In silico analysis supports that this missense variant does not alter protein structure/function; Has not been previously published as pathogenic or benign to our knowledge

NM_020778.5(ALPK3):c.2842G>A (p.Gly948Ser)

Gene: ALPK3 (alpha kinase 3; plus strand). Cytogenetic location: 15q25.3.
Variant type: single nucleotide variant.
Coding change: c.2842G>A on transcript NM_020778.5 (MANE Select); coding-DNA position 2842, G replaced by A.
Protein change: p.Gly948Ser; replaces glycine 948 with serine.
Molecular consequence: missense variant.
Genome position (GRCh38, 1-based): chr15:84,857,580, G>A. VCF-style: chr15-84857580-G-A. GRCh37 (hg19) VCF-style: chr15-85400811-G-A.
Other names: short protein forms G948S.
Identifiers: ClinVar variation 1314660 (VCV001314660.8), dbSNP rs1217503979, ClinGen allele CA393358558.